The following is an entry in ClinVar:

NM_000660.7(TGFB1):c.830G>A (p.Arg277His)

Gene: TGFB1 (transforming growth factor beta 1; minus strand). Cytogenetic location: 19q13.2.
Variant type: single nucleotide variant.
Coding change: c.830G>A on transcript NM_000660.7 (MANE Select); coding-DNA position 830, G replaced by A.
Protein change: p.Arg277His; replaces arginine 277 with histidine.
Molecular consequence: missense variant.
Genome position (GRCh38, 1-based): chr19:41,341,913, C>T on the plus strand (G>A on the coding strand, the complement: TGFB1 is on the minus strand). VCF-style: chr19-41341913-C-T. GRCh37 (hg19) VCF-style: chr19-41847818-C-T.
Other names: short protein forms R277H.
Identifiers: ClinVar variation 2102313 (VCV002102313.4), dbSNP rs1195992341, ClinGen allele CA405999301.

ClinVar aggregate classification (germline): Uncertain significance (1 of 4 stars; one submission).

Allele frequency attached by ClinVar (database versions not stated): gnomAD exomes below 0.00001; TOPMed below 0.00001.
gnomAD v4.1: 2 of 1,613,900 alleles (0.00012%); highest among the groups gnomAD compares: African/African-American, 0.0013%; no homozygotes.

Submission:

Labcorp Genetics (formerly Invitae), Labcorp
Classification: Uncertain significance. Last evaluated: 2025-01-11. Review status: criteria provided, single submitter. Criteria: Invitae Variant Classification Sherloc (09022015). Collection method: clinical testing. Allele origin: germline.
Comment: This sequence change replaces arginine, which is basic and polar, with histidine, which is basic and polar, at codon 277 of the TGFB1 protein (p.Arg277His). This variant is present in population databases (no rsID available, gnomAD 0.0009%). This variant has not been reported in the literature in individuals affected with TGFB1-related conditions. ClinVar contains an entry for this variant (Variation ID: 2102313). Invitae Evidence Modeling of protein sequence and biophysical properties (such as structural, functional, and spatial information, amino acid conservation, physicochemical variation, residue mobility, and thermodynamic stability) indicates that this missense variant is not expected to disrupt TGFB1 protein function with a negative predictive value of 80%. In summary, the available evidence is currently insufficient to determine the role of this variant in disease. Therefore, it has been classified as a Variant of Uncertain Significance.